The following is an entry in ClinVar:

ClinVar aggregate classification (germline): Likely pathogenic. Review status: criteria provided, single submitter (1 of 4 stars). 2 submissions from 2 submitters: Likely pathogenic (1). 1 of the submissions does not count toward it.

Conditions:
Congenital generalized lipodystrophy type 1 (CGL1). Also called: BRUNZELL SYNDROME, AGPAT2-RELATED; Berardinelli-Seip Congenital Lipodystrophy Type 1. Identifiers: Orphanet 528, Orphanet 696189, MedGen C1720862, MONDO:0012071, OMIM 608594.

Allele frequency attached by ClinVar (database versions not stated): gnomAD exomes below 0.00001; TOPMed 0.00001.
gnomAD v4.1: 5 of 1,591,920 alleles (0.00031%); highest among the groups gnomAD compares: Non-Finnish European, 0.00043%; no homozygotes.

Submissions (2):

Juno Genomics, Hangzhou Juno Genomics, Inc
Classification: Likely pathogenic for Congenital generalized lipodystrophy type 1. Review status: criteria provided, single submitter. Criteria: ACMG Guidelines, 2015. Collection method: clinical testing. Allele origin: germline.
Comment: Absent from controls (or at extremely low frequency if recessive) in Genome Aggregation Database.;Well-established in vitro or in vivo functional studies supportive of a damaging effect on the gene or gene product.;For recessive disorders, detected in trans with a pathogenic variant.;Patient's phenotype or family history is highly specific for a disease with a single genetic etiology.

OMIM
Classification: Pathogenic for LIPODYSTROPHY, CONGENITAL GENERALIZED, TYPE 1. Last evaluated: 2002-05-01. Review status: no assertion criteria provided. Collection method: literature only. Allele origin: germline. Not counted in ClinVar's aggregate classification.

Literature cited by the submitters: PubMed 11967537 (cited by OMIM).

NM_006412.4(AGPAT2):c.683T>C (p.Leu228Pro)

Gene: AGPAT2 (1-acylglycerol-3-phosphate O-acyltransferase 2; minus strand). Cytogenetic location: 9q34.3.
Variant type: single nucleotide variant.
Coding change: c.683T>C on transcript NM_006412.4 (MANE Select); coding-DNA position 683, T replaced by C.
Protein change: p.Leu228Pro; replaces leucine 228 with proline.
Molecular consequence: missense variant.
Genome position (GRCh38, 1-based): chr9:136,673,906, A>G on the plus strand (T>C on the coding strand, the complement: AGPAT2 is on the minus strand). VCF-style: chr9-136673906-A-G. GRCh37 (hg19) VCF-style: chr9-139568358-A-G.
Other names: c.587T>C, p.Leu196Pro (NM_001012727.2); short protein forms L228P, L196P.
Identifiers: ClinVar variation 6627 (VCV000006627.4), dbSNP rs104894100, ClinGen allele CA277946.